The following is an entry in ClinVar:

NM_001018115.3(FANCD2):c.1027A>G (p.Ile343Val)

Genes: FANCD2 (FA complementation group D2; plus strand), LOC107303338 (3p25 FANCD2 Alu-mediated recombination region; plus strand). Cytogenetic location: 3p25.3.
Variant type: single nucleotide variant.
Coding change: c.1027A>G on transcript NM_001018115.3 (MANE Select); coding-DNA position 1027, A replaced by G.
Protein change: p.Ile343Val; replaces isoleucine 343 with valine.
Molecular consequence: missense variant.
Genome position (GRCh38, 1-based): chr3:10,043,521, A>G. VCF-style: chr3-10043521-A-G. GRCh37 (hg19) VCF-style: chr3-10085205-A-G.
Other names: c.1027A>G, p.Ile343Val (NM_001319984.2, NM_001374253.1, NM_001374254.1 and 1 more transcripts); short protein forms I343V.
Identifiers: ClinVar variation 1380106 (VCV001380106.8), dbSNP rs993692917, ClinGen allele CA70027514.

ClinVar aggregate classification (germline): Uncertain significance. Review status: criteria provided, multiple submitters, no conflicts (2 of 4 stars). 2 submissions from 2 submitters: Uncertain significance (2). Last evaluated 2025-05-18.

Conditions:
Fanconi anemia complementation group D2. Also called: FANCD2-Related Fanconi Anemia; FANCONI PANCYTOPENIA, TYPE 4; FANCONI ANEMIA, COMPLEMENTATION GROUP D. Identifiers: Orphanet 84, MedGen C3160738, MONDO:0009214, OMIM 227646.
Fanconi anemia (FA). Also called: Fanconi's anemia. Identifiers: Orphanet 84, MedGen C0015625, MeSH D005199, MONDO:0019391.

Allele frequency attached by ClinVar (database versions not stated): gnomAD exomes below 0.00001; gnomAD 0.00001 and 0.00002; TOPMed 0.00002.
gnomAD v4.1: 8 of 1,613,782 alleles (0.0005%); highest among the groups gnomAD compares: Non-Finnish European, 0.00059%; no homozygotes.

Submissions (2):

Labcorp Genetics (formerly Invitae), Labcorp
Classification: Uncertain significance for Fanconi anemia. Last evaluated: 2025-05-18. Review status: criteria provided, single submitter. Criteria: Invitae Variant Classification Sherloc (09022015). Collection method: clinical testing. Allele origin: germline.
Comment: This sequence change replaces isoleucine, which is neutral and non-polar, with valine, which is neutral and non-polar, at codon 343 of the FANCD2 protein (p.Ile343Val). This variant is present in population databases (no rsID available, gnomAD 0.0009%). This variant has not been reported in the literature in individuals affected with FANCD2-related conditions. ClinVar contains an entry for this variant (Variation ID: 1380106). Invitae Evidence Modeling of protein sequence and biophysical properties (such as structural, functional, and spatial information, amino acid conservation, physicochemical variation, residue mobility, and thermodynamic stability) indicates that this missense variant is not expected to disrupt FANCD2 protein function with a negative predictive value of 80%. In summary, the available evidence is currently insufficient to determine the role of this variant in disease. Therefore, it has been classified as a Variant of Uncertain Significance.

Fulgent Genetics
Classification: Uncertain significance for Fanconi anemia complementation group D2. Last evaluated: 2024-06-18. Review status: criteria provided, single submitter. Criteria: ACMG Guidelines, 2015. Collection method: clinical testing. Allele origin: germline.